The following is an entry in ClinVar:

NM_012471.3(TRPC5):c.1709A>C (p.Glu570Ala)

Gene: TRPC5 (transient receptor potential cation channel subfamily C member 5; minus strand). Cytogenetic location: Xq23.
Variant type: single nucleotide variant.
Coding change: c.1709A>C on transcript NM_012471.3 (MANE Select); coding-DNA position 1709, A replaced by C.
Protein change: p.Glu570Ala; replaces glutamic acid 570 with alanine.
Molecular consequence: missense variant.
Genome position (GRCh38, 1-based): chrX:111,835,108, T>G on the plus strand (A>C on the coding strand, the complement: TRPC5 is on the minus strand). VCF-style: chrX-111835108-T-G. GRCh37 (hg19) VCF-style: chrX-111078336-T-G.
Other names: short protein forms E570A.
Identifiers: ClinVar variation 4983955 (VCV004983955.1).

ClinVar aggregate classification (germline): Uncertain significance (1 of 4 stars; one submission).

Conditions:
TRPC5-related disorder. Also called: TRPC5-related condition.

Submission:

PreventionGenetics, part of Exact Sciences
Classification: Uncertain significance for TRPC5-related condition. Last evaluated: 2025-11-25. Review status: criteria provided, single submitter. Criteria: ACMG Guidelines, 2015. Collection method: clinical testing. Allele origin: germline.
Comment: The TRPC5 c.1709A>C variant is predicted to result in the amino acid substitution p.Glu570Ala. To our knowledge, this variant has not been reported in the literature or in a large population database (gnomAD), indicating this variant is rare. At this time, the clinical significance of this variant is uncertain due to the absence of conclusive functional and genetic evidence.